The following is an entry in ClinVar:

ClinVar aggregate classification (germline): Conflicting classifications of pathogenicity. Review status: criteria provided, conflicting classifications (1 of 4 stars). 4 submissions from 4 submitters: Likely pathogenic (2); Uncertain significance (2). Last evaluated 2026-05-22.

Conditions:
Pontocerebellar hypoplasia type 9. Identifiers: Orphanet 369920, MedGen C4014354, MONDO:0014351, OMIM 615809.

Allele frequency attached by ClinVar (database versions not stated): gnomAD exomes below 0.00001; ExAC 0.00001.

Submissions (4):

Victorian Clinical Genetics Services, Murdoch Childrens Research Institute
Classification: Likely pathogenic for Pontocerebellar hypoplasia type 9. Last evaluated: 2026-05-22. Review status: criteria provided, single submitter. Criteria: ACMG Guidelines, 2015. Collection method: clinical testing. Allele origin: germline. Affected: no.
Comment: This variant is classified as Likely pathogenic. Evidence in support of pathogenic classification: Variant is present in gnomAD <0.01 for a recessive condition (v4: 5 heterozygote(s), 0 homozygote(s)); Moderate functional evidence supporting abnormal protein function. Western blotting in patient fibroblasts has shown reduced expression of AMPD2 (PMID: 28168832); Another missense variant comparable to the one identified in this case has limited previous evidence for pathogenicity. p.(Arg197Gln) (with the alternative nomenclature p.(Arg251Gln)) has been reported as homozygous in an individual with spastic paraplegia and cerebellar hypoplasia (PMID: 31359954); Missense variant predicted to be damaging by in silico tool(s) or highly conserved with a major amino acid change. Additional information: Variant is predicted to result in a missense amino acid change from Arg to Trp; This gene is associated with autosomal recessive disease; Alternative amino acid change(s) at the same position are present in gnomAD (highest allele count: v4: 1 heterozygote(s), # homozygote(s)); Previous evidence of pathogenicity for this variant is inconclusive. This variant has been classified as a VUS and likely pathogenic by clinical laboratories in ClinVar. NB: The individual reported in PMID: 28168832 is likely the proband of this family; No published evidence of segregation with disease has been identified for this variant; Variant is located in the annotated AMP deaminase domain (DECIPHER); Loss of function is a known mechanism of disease in this gene and is associated with pontocerebellar hypoplasia, type 9 (MIM#615809).

Women's Health and Genetics/Laboratory Corporation of America, LabCorp
Classification: Uncertain significance. Last evaluated: 2026-03-13. Review status: criteria provided, single submitter. Criteria: LabCorp Variant Classification Summary - May 2015. Collection method: clinical testing. Allele origin: germline.
Comment: Variant summary: AMPD2 c.589C>T (p.Arg197Trp) results in a non-conservative amino acid change in the encoded protein sequence. Algorithms developed to predict the effect of missense changes on protein structure and function all suggest that this variant is likely to be disruptive. The variant allele was found at a frequency of 4e-06 in 251032 control chromosomes. c.589C>T has been observed in at least one individual affected with Pontocerebellar Hypoplasia, Type 9. These data indicate that the variant may be associated with disease. One publication reports experimental evidence evaluating an impact on protein function, however, does not allow convincing conclusions about the variant effect. The following publication have been ascertained in the context of this evaluation (PMID: 28168832). ClinVar contains an entry for this variant (Variation ID: 287507). Based on the evidence outlined above, the variant was classified as VUS-possibly pathogenic.

The Genetics Institute, Rambam Health Care Campus
Classification: Likely pathogenic for Pontocerebellar hypoplasia type 9. Last evaluated: 2025-08-12. Review status: criteria provided, single submitter. Criteria: ACMG Guidelines, 2015. Collection method: clinical testing. Allele origin: paternal. Affected: yes. Observed: 2 variant alleles.
Comment: [PM2, PP3_mod, PP2, PM3] NM_001368809.2(AMPD2):c.589C>T; p.(Arg197Trp) results in a missense substitution in a highly conserved position. Missense variants have been reported as a disease cause in AMPD2 related conditions. This variant has been reported in the literature in a Pontocerebellar hypoplasia type 9 affected individual, that demonstrated decreased levels of AMPD2 protein (PMID: 28168832). The p.(Arg197Trp) variant appears in a 0.0004% rate in gnomAD (v2.1) and was not reported in homozygous state. Computational analyses predict that this variant is deleterious (REVEL=0.92). The variant was in detected in compound with another likely pathogenic AMPD2 variant. Based on the above information, the p.(Arg197Trp) variant is considered to be likely pathogenic.

Eurofins Ntd Llc (ga)
Classification: Uncertain significance. Last evaluated: 2016-04-11. Review status: criteria provided, single submitter. Criteria: EGL Classification Definitions 2015. Collection method: clinical testing. Allele origin: germline.

Literature cited by the submitters: PubMed 28168832 (cited by Victorian Clinical Genetics Services, Murdoch Childrens Research Institute and Women's Health and Genetics/Laboratory Corporation of America, LabCorp); PubMed 31359954 (cited by Victorian Clinical Genetics Services, Murdoch Childrens Research Institute).

NM_001368809.2(AMPD2):c.589C>T (p.Arg197Trp)

Gene: AMPD2 (adenosine monophosphate deaminase 2; plus strand). Cytogenetic location: 1p13.3.
Variant type: single nucleotide variant.
Coding change: c.589C>T on transcript NM_001368809.2 (MANE Select); coding-DNA position 589, C replaced by T.
Protein change: p.Arg197Trp; replaces arginine 197 with tryptophan.
Molecular consequence: missense variant.
Genome position (GRCh38, 1-based): chr1:109,626,783, C>T. VCF-style: chr1-109626783-C-T. GRCh37 (hg19) VCF-style: chr1-110169405-C-T.
Other names: c.397C>T, p.Arg133Trp (NM_001257361.2); c.526C>T, p.Arg176Trp (NM_001308170.1); c.589C>T, p.Arg197Trp (NM_004037.9); c.508C>T, p.Arg170Trp (NM_139156.4); short protein forms R133W, R170W, R176W, R197W.
Identifiers: ClinVar variation 287507 (VCV000287507.8), dbSNP rs755344801, ClinGen allele CA992849.
Genomic context (GRCh38, chr1:109,626,783, plus strand): 5'-CAGGTGCCGTTCACAGACCTGCTGGATGCAGCCAAGAGTGTGGTGCGGGCGCTCTTCATC[C>T]GGGAGAAGTACATGGCCCTGTCCCTGCAGAGCTTCTGCCCCACCACCCGCCGCTACCTGC-3'
Protein context (NP_001355738.1, residues 187-207): AKSVVRALFI[Arg197Trp]EKYMALSLQS